The following is an entry in ClinVar:

ClinVar aggregate classification (germline): Benign. Review status: criteria provided, multiple submitters, no conflicts (2 of 4 stars). 2 submissions from 2 submitters: Benign (2). Last evaluated 2018-01-12.

Conditions:
Gelatinous droplike corneal dystrophy (GDLD). Also called: AMYLOID CORNEAL DYSTROPHY, JAPANESE TYPE. Identifiers: Orphanet 98957, MedGen C0339273, MONDO:0008777, OMIM 204870.

Allele frequency attached by ClinVar (database versions not stated): 1000 Genomes Project 30x 0.10915; TOPMed 0.12055; 1000 Genomes Project 0.10403.

Submissions (2):

Illumina Laboratory Services, Illumina
Classification: Benign for Gelatinous droplike corneal dystrophy. Last evaluated: 2018-01-12. Review status: criteria provided, single submitter. Criteria: ICSL Variant Classification Criteria 13 December 2019. Collection method: clinical testing. Allele origin: germline.
Comment: This variant was observed in the ICSL laboratory as part of a predisposition screen in an ostensibly healthy population. It had not been previously curated by ICSL or reported in the Human Gene Mutation Database (HGMD: prior to June 1st, 2018), and was therefore a candidate for classification through an automated scoring system. Utilizing variant allele frequency, disease prevalence and penetrance estimates, and inheritance mode, an automated score was calculated to assess if this variant is too frequent to cause the disease. Based on the score and internal cut-off values, a variant classified as benign is not then subjected to further curation. The score for this variant resulted in a classification of benign for this disease.

Breakthrough Genomics
Classification: Benign. Review status: criteria provided, single submitter. Criteria: ACMG Guidelines, 2015. Collection method: not provided. Allele origin: germline. Inheritance: Autosomal recessive inheritance. Affected: yes.

NM_002353.2(TACSTD2):c.-169G>A

Gene: TACSTD2 (tumor associated calcium signal transducer 2; minus strand). Cytogenetic location: 1p32.1.
Variant type: single nucleotide variant.
Coding change: c.-169G>A on transcript NM_002353.2; 169 bases upstream of the start codon, G replaced by A.
Genome position (GRCh38, 1-based): chr1:58,577,325, C>T on the plus strand (G>A on the coding strand, the complement: TACSTD2 is on the minus strand). VCF-style: chr1-58577325-C-T. GRCh37 (hg19) VCF-style: chr1-59042997-C-T.
Identifiers: ClinVar variation 297778 (VCV000297778.8), dbSNP rs61779294, ClinGen allele CA10611321.